The following is an entry in ClinVar:

ClinVar aggregate classification (germline): Conflicting classifications of pathogenicity. Review status: criteria provided, conflicting classifications (1 of 4 stars). 6 submissions from 5 submitters: Uncertain significance (1); Benign (3); Likely benign (2). Last evaluated 2025-12-11.

Conditions:
Spherocytosis. Identifiers: MedGen C0553720, HP:0004444.
Hereditary spherocytosis type 1. Also called: Spherocytosis type 1; ANK1-Related Spherocytosis. Identifiers: Orphanet 822, MedGen C2674218, MONDO:0008447, OMIM 182900.

Allele frequency attached by ClinVar (database versions not stated): 1000 Genomes Project 30x 0.00609; 1000 Genomes Project 0.00619; TOPMed 0.00651; ESP Exome Variant Server 0.00723.
gnomAD v4.1: 1,821 of 1,614,064 alleles (0.11%); highest among the groups gnomAD compares: African/African-American, 1.9%; 20 homozygotes.

Submissions (6):

Labcorp Genetics (formerly Invitae), Labcorp
Classification: Benign. Last evaluated: 2025-12-11. Review status: criteria provided, single submitter. Criteria: Invitae Variant Classification Sherloc (09022015). Collection method: clinical testing. Allele origin: germline.

Mayo Clinic Laboratories, Mayo Clinic
Classification: Likely benign. Last evaluated: 2025-04-21. Review status: criteria provided, single submitter. Criteria: ACMG Guidelines, 2015. Collection method: clinical testing. Allele origin: germline. Observed: 14 variant alleles.

ARUP Laboratories, Molecular Genetics and Genomics, ARUP Laboratories
Classification: Benign for Hereditary spherocytosis type 1. Last evaluated: 2025-01-15. Review status: criteria provided, single submitter. Criteria: ARUP Molecular Germline Variant Investigation Process 2024. Collection method: clinical testing. Allele origin: germline.

Blueprint Genetics
Classification: Likely benign. Last evaluated: 2024-11-21. Review status: criteria provided, single submitter. Criteria: ACMG Guidelines, 2015. Collection method: clinical testing. Allele origin: germline.

Illumina Laboratory Services, Illumina
Classification: Benign for Hereditary spherocytosis type 1. Last evaluated: 2018-01-13. Review status: criteria provided, single submitter. Criteria: ICSL Variant Classification Criteria 13 December 2019. Collection method: clinical testing. Allele origin: germline.
Comment: This variant was observed in the ICSL laboratory as part of a predisposition screen in an ostensibly healthy population. It had not been previously curated by ICSL or reported in the Human Gene Mutation Database (HGMD: prior to June 1st, 2018), and was therefore a candidate for classification through an automated scoring system. Utilizing variant allele frequency, disease prevalence and penetrance estimates, and inheritance mode, an automated score was calculated to assess if this variant is too frequent to cause the disease. Based on the score and internal cut-off values, a variant classified as benign is not then subjected to further curation. The score for this variant resulted in a classification of benign for this disease.

Illumina Laboratory Services, Illumina
Classification: Uncertain significance for Spherocytosis. Last evaluated: 2018-01-13. Review status: criteria provided, single submitter. Criteria: ICSL Variant Classification Criteria 13 December 2019. Collection method: clinical testing. Allele origin: germline.

NM_000037.4(ANK1):c.3115+9G>A

Gene: ANK1 (ankyrin 1; minus strand). Cytogenetic location: 8p11.21.
Variant type: single nucleotide variant.
Coding change: c.3115+9G>A on transcript NM_000037.4 (MANE Select); 9 bases into the intron after coding-DNA position 3115, G replaced by A.
Molecular consequence: intron variant.
Genome position (GRCh38, 1-based): chr8:41,695,168, C>T on the plus strand (G>A on the coding strand, the complement: ANK1 is on the minus strand). VCF-style: chr8-41695168-C-T. GRCh37 (hg19) VCF-style: chr8-41552686-C-T.
Other names: p.?; c.3238+9G>A (NM_001142446.2); c.3115+9G>A (NM_020477.3, NM_020475.3, NM_020476.3).
Identifiers: ClinVar variation 363010 (VCV000363010.24), dbSNP rs150850103, ClinGen allele CA4727979.
Genomic context (GRCh38, chr8:41,695,168, plus strand): 5'-CCTTTAAGGTGCAACTCAAACCCCTCTTCCGCAAGGAGGGGACCCAGCCCTGGGATCCCC[C>T]GCCCCTACCTTCGTCCATCCCGTTGAGGATCTGATCCAGGTAGCTCTCTCCATAGCGGCT-3'